The following is an entry in ClinVar:

ClinVar aggregate classification (germline): Uncertain significance (1 of 4 stars; one submission).

Conditions:
Severe combined immunodeficiency due to DNA-PKcs deficiency. Also called: IMMUNODEFICIENCY 26 WITH NEUROLOGIC ABNORMALITIES; Immunodeficiency 26 with or without neurologic abnormalities. Identifiers: Orphanet 317425, MedGen C4014833, MONDO:0014423, OMIM 615966.

Submission:

Labcorp Genetics (formerly Invitae), Labcorp
Classification: Uncertain significance for Severe combined immunodeficiency due to DNA-PKcs deficiency. Last evaluated: 2023-10-13. Review status: criteria provided, single submitter. Criteria: Invitae Variant Classification Sherloc (09022015). Collection method: clinical testing. Allele origin: germline.
Comment: This sequence change replaces serine, which is neutral and polar, with glycine, which is neutral and non-polar, at codon 2774 of the PRKDC protein (p.Ser2774Gly). This variant is not present in population databases (gnomAD no frequency). This variant has not been reported in the literature in individuals affected with PRKDC-related conditions. ClinVar contains an entry for this variant (Variation ID: 2187278). Advanced modeling of protein sequence and biophysical properties (such as structural, functional, and spatial information, amino acid conservation, physicochemical variation, residue mobility, and thermodynamic stability) performed at Invitae indicates that this missense variant is expected to disrupt PRKDC protein function. In summary, the available evidence is currently insufficient to determine the role of this variant in disease. Therefore, it has been classified as a Variant of Uncertain Significance.

NM_006904.7(PRKDC):c.8320A>G (p.Ser2774Gly)

Gene: PRKDC (protein kinase, DNA-activated, catalytic subunit; minus strand). Cytogenetic location: 8q11.21.
Variant type: single nucleotide variant.
Coding change: c.8320A>G on transcript NM_006904.7 (MANE Select); coding-DNA position 8320, A replaced by G.
Protein change: p.Ser2774Gly; replaces serine 2774 with glycine.
Molecular consequence: missense variant.
Genome position (GRCh38, 1-based): chr8:47,830,682, T>C on the plus strand (A>G on the coding strand, the complement: PRKDC is on the minus strand). VCF-style: chr8-47830682-T-C. GRCh37 (hg19) VCF-style: chr8-48743243-T-C.
Other names: c.8320A>G, p.Ser2774Gly (NM_001081640.2); short protein forms S2774G.
Identifiers: ClinVar variation 2187278 (VCV002187278.3), dbSNP rs2551866626, ClinGen allele CA371147071.
Genomic context (GRCh38, chr8:47,830,682, plus strand): 5'-ACGGGGTGATGAGGCTGCTGTGCTTGATCTGAATGTCAGGAAGGTCTCCGTGCCGGTAGC[T>C]TCTGTACAGAACGACCTGGGCATCCTGCTTCATTTTTAACTCACTCTTGATTTCCTATAA-3'
Protein context (NP_008835.5, residues 2764-2784): KQDAQVVLYR[Ser2774Gly]YRHGDLPDIQ